The following is an entry in ClinVar:

NM_001854.4(COL11A1):c.818A>G (p.Tyr273Cys)

Gene: COL11A1 (collagen type XI alpha 1 chain; minus strand). Cytogenetic location: 1p21.1.
Variant type: single nucleotide variant.
Coding change: c.818A>G on transcript NM_001854.4 (MANE Select); coding-DNA position 818, A replaced by G.
Protein change: p.Tyr273Cys; replaces tyrosine 273 with cysteine.
Molecular consequence: missense variant. On other transcripts: non-coding transcript variant (1), intron variant (2).
Genome position (GRCh38, 1-based): chr1:103,026,295, T>C on the plus strand (A>G on the coding strand, the complement: COL11A1 is on the minus strand). VCF-style: chr1-103026295-T-C. GRCh37 (hg19) VCF-style: chr1-103491851-T-C.
Other names: c.818A>G, p.Tyr273Cys (NM_080630.4); c.781-682A>G (NM_001190709.2); c.781-343A>G (NM_080629.3); c.818A>G (NM_001854.3); short protein forms Y273C.
Identifiers: ClinVar variation 1465342 (VCV001465342.9), dbSNP rs763484552, ClinGen allele CA975299.

ClinVar aggregate classification (germline): Conflicting classifications of pathogenicity. Review status: criteria provided, conflicting classifications (1 of 4 stars). 3 submissions from 3 submitters: Uncertain significance (2); Benign (1). Last evaluated 2025-12-04.

Conditions:
Inborn genetic diseases. Identifiers: MedGen C0950123, MeSH D030342.

Allele frequency attached by ClinVar (database versions not stated): ExAC 0.00001; gnomAD exomes 0.00001 and 0.00005; gnomAD 0.00002; TOPMed 0.00002.
gnomAD v4.1: 77 of 1,613,454 alleles (0.0048%); highest among the groups gnomAD compares: Non-Finnish European, 0.0062%; no homozygotes.

Submissions (3):

GeneDx
Classification: Uncertain significance. Last evaluated: 2025-12-04. Review status: criteria provided, single submitter. Criteria: GeneDx Variant Classification Process June 2021. Collection method: clinical testing. Allele origin: germline.
Comment: Has not been previously published as pathogenic or benign to our knowledge; Not observed at significant frequency in large population cohorts (gnomAD); In silico analysis supports that this missense variant has a deleterious effect on protein structure/function; This variant is associated with the following publications: (PMID: 25240749)

Labcorp Genetics (formerly Invitae), Labcorp
Classification: Benign. Last evaluated: 2025-03-05. Review status: criteria provided, single submitter. Criteria: Invitae Variant Classification Sherloc (09022015). Collection method: clinical testing. Allele origin: germline.

Ambry Genetics
Classification: Uncertain significance for Inborn genetic diseases. Last evaluated: 2023-09-25. Review status: criteria provided, single submitter. Criteria: Ambry Variant Classification Scheme 2023. Collection method: clinical testing. Allele origin: germline.